The following is an entry in ClinVar:

NM_152564.5(VPS13B):c.2917A>G (p.Ser973Gly)

Gene: VPS13B (vacuolar protein sorting 13 homolog B; plus strand). Cytogenetic location: 8q22.2.
Variant type: single nucleotide variant.
Coding change: c.2917A>G on transcript NM_152564.5 (MANE Select); coding-DNA position 2917, A replaced by G.
Protein change: p.Ser973Gly; replaces serine 973 with glycine.
Molecular consequence: missense variant.
Genome position (GRCh38, 1-based): chr8:99,384,300, A>G. VCF-style: chr8-99384300-A-G. GRCh37 (hg19) VCF-style: chr8-100396528-A-G.
Other names: c.2917A>G (NM_152564.4); c.2917A>G, p.Ser973Gly (NM_017890.5); short protein forms S973G.
Identifiers: ClinVar variation 588603 (VCV000588603.21), dbSNP rs749751670, ClinGen allele CA4823088.

ClinVar aggregate classification (germline): Uncertain significance. Review status: criteria provided, multiple submitters, no conflicts (2 of 4 stars). 7 submissions from 7 submitters: Uncertain significance (6). 1 of the submissions does not count toward it. Last evaluated 2026-05-21.

Conditions:
Cohen syndrome (COH1). Also called: PEPPER SYNDROME; Cutis verticis gyrata, retinitis pigmentosa, and sensorineural deafness. Identifiers: Orphanet 193, MedGen C0265223, MONDO:0008999, OMIM 216550.
VPS13B-related disorder. Also called: VPS13B-related condition.
Inborn genetic diseases. Identifiers: MedGen C0950123, MeSH D030342.

Allele frequency attached by ClinVar (database versions not stated): gnomAD exomes 0.00003 and 0.00006; gnomAD 0.00006 and 0.00007; ExAC 0.00007; TOPMed 0.00008.
gnomAD v4.1: 64 of 1,613,534 alleles (0.004%); highest among the groups gnomAD compares: Middle Eastern, 0.25%; no homozygotes.

Submissions (7):

PreventionGenetics, part of Exact Sciences
Classification: Uncertain significance for VPS13B-related condition. Last evaluated: 2026-05-21. Review status: criteria provided, single submitter. Criteria: ACMG Guidelines, 2015. Collection method: clinical testing. Allele origin: germline.
Comment: The VPS13B c.2917A>G variant is predicted to result in the amino acid substitution p.Ser973Gly. To our knowledge, this variant has not been reported in the literature. This variant is reported in 0.023% of alleles in individuals of Latino descent in gnomAD. At this time, the clinical significance of this variant is uncertain due to the absence of conclusive functional and genetic evidence.

Labcorp Genetics (formerly Invitae), Labcorp
Classification: Uncertain significance for Cohen syndrome. Last evaluated: 2025-01-07. Review status: criteria provided, single submitter. Criteria: Invitae Variant Classification Sherloc (09022015). Collection method: clinical testing. Allele origin: germline.
Comment: This sequence change replaces serine, which is neutral and polar, with glycine, which is neutral and non-polar, at codon 973 of the VPS13B protein (p.Ser973Gly). This variant is present in population databases (rs749751670, gnomAD 0.02%). This variant has not been reported in the literature in individuals affected with VPS13B-related conditions. ClinVar contains an entry for this variant (Variation ID: 588603). Invitae Evidence Modeling of protein sequence and biophysical properties (such as structural, functional, and spatial information, amino acid conservation, physicochemical variation, residue mobility, and thermodynamic stability) indicates that this missense variant is not expected to disrupt VPS13B protein function with a negative predictive value of 80%. In summary, the available evidence is currently insufficient to determine the role of this variant in disease. Therefore, it has been classified as a Variant of Uncertain Significance.

Ambry Genetics
Classification: Uncertain significance for Inborn genetic diseases. Last evaluated: 2024-06-17. Review status: criteria provided, single submitter. Criteria: Ambry Variant Classification Scheme 2023. Collection method: clinical testing. Allele origin: germline.

Fulgent Genetics
Classification: Uncertain significance for Cohen syndrome. Last evaluated: 2021-07-23. Review status: criteria provided, single submitter. Criteria: ACMG Guidelines, 2015. Collection method: clinical testing. Allele origin: unknown.

Genome-Nilou Lab
Classification: Uncertain significance for Cohen syndrome. Last evaluated: 2021-07-22. Review status: criteria provided, single submitter. Criteria: ACMG Guidelines, 2015. Collection method: clinical testing. Allele origin: germline. Affected: no.

Pars Genome Lab
Classification: Uncertain significance for Cohen syndrome. Last evaluated: 2021-05-18. Review status: criteria provided, single submitter. Criteria: ACMG Guidelines, 2015. Collection method: clinical testing. Allele origin: germline. Affected: no.

Natera, Inc.
Classification: Uncertain significance for Cohen syndrome. Last evaluated: 2019-11-11. Review status: no assertion criteria provided. Collection method: clinical testing. Allele origin: germline. Not counted in ClinVar's aggregate classification.